The following is an entry in ClinVar:

NM_002437.5(MPV17):c.136dup (p.His46fs)

Gene: MPV17 (mitochondrial inner membrane protein MPV17; minus strand). Cytogenetic location: 2p23.3.
Variant type: Duplication.
Coding change: c.136dup on transcript NM_002437.5 (MANE Select); coding-DNA position 136, one base duplicated (C; older notation c.136dupC).
Protein change: p.His46fs; shifts the reading frame from histidine 46.
Molecular consequence: frameshift variant.
Genome position (GRCh38, 1-based): chr2:27,313,044, G duplicated on the plus strand (C on the coding strand, the reverse complement: MPV17 is on the minus strand). VCF-style (leftmost placement, unchanged base first): chr2-27313043-T-TG. GRCh37 (hg19) VCF-style: chr2-27535910-T-TG.
Other names: short protein forms H46fs.
Identifiers: ClinVar variation 2710314 (VCV002710314.3), dbSNP rs2465685002, ClinGen allele CA2697547866.

ClinVar aggregate classification (germline): Pathogenic (1 of 4 stars; one submission).

Submission:

Labcorp Genetics (formerly Invitae), Labcorp
Classification: Pathogenic. Last evaluated: 2024-01-19. Review status: criteria provided, single submitter. Criteria: Invitae Variant Classification Sherloc (09022015). Collection method: clinical testing. Allele origin: germline.
Comment: This sequence change creates a premature translational stop signal (p.His46Profs*67) in the MPV17 gene. It is expected to result in an absent or disrupted protein product. Loss-of-function variants in MPV17 are known to be pathogenic (PMID: 23714749). This variant is not present in population databases (gnomAD no frequency). This variant has not been reported in the literature in individuals affected with MPV17-related conditions. For these reasons, this variant has been classified as Pathogenic.

Literature cited by the submitters: PubMed 23714749.